The following is an entry in ClinVar:

ClinVar aggregate classification (germline): Uncertain significance (1 of 4 stars; one submission).

Submission:

Labcorp Genetics (formerly Invitae), Labcorp
Classification: Uncertain significance. Last evaluated: 2025-02-17. Review status: criteria provided, single submitter. Criteria: Invitae Variant Classification Sherloc (09022015). Collection method: clinical testing. Allele origin: germline.
Comment: This sequence change replaces cysteine, which is neutral and slightly polar, with tyrosine, which is neutral and polar, at codon 940 of the EGF protein (p.Cys940Tyr). This variant is not present in population databases (gnomAD no frequency). This variant has not been reported in the literature in individuals affected with EGF-related conditions. An algorithm developed to predict the effect of missense changes on protein structure and function outputs the following: PolyPhen-2: "Benign". The tyrosine amino acid residue is found in multiple mammalian species, which suggests that this missense change does not adversely affect protein function. In summary, the available evidence is currently insufficient to determine the role of this variant in disease. Therefore, it has been classified as a Variant of Uncertain Significance.

NM_001963.6(EGF):c.2819G>A (p.Cys940Tyr)

Gene: EGF (epidermal growth factor; plus strand). Cytogenetic location: 4q25.
Variant type: single nucleotide variant.
Coding change: c.2819G>A on transcript NM_001963.6 (MANE Select); coding-DNA position 2819, G replaced by A.
Protein change: p.Cys940Tyr; replaces cysteine 940 with tyrosine.
Molecular consequence: missense variant. On other transcripts: intron variant (1).
Genome position (GRCh38, 1-based): chr4:109,993,331, G>A. VCF-style: chr4-109993331-G-A. GRCh37 (hg19) VCF-style: chr4-110914487-G-A.
Other names: c.2693G>A, p.Cys898Tyr (NM_001178131.3); c.2450G>A, p.Cys817Tyr (NM_001357021.2); c.2735-1402G>A (NM_001178130.3); short protein forms C817Y, C940Y, C898Y.
Identifiers: ClinVar variation 4701437 (VCV004701437.1).